The following is an entry in ClinVar:

NC_000008.11:g.(?_117830210)_(117837221_?)del

Genes: EXT1 (exostosin glycosyltransferase 1; minus strand), LOC124188206 (Sharpr-MPRA regulatory region 14285; plus strand). Cytogenetic location: 8q24.11.
Variant type: Deletion.
Identifiers: ClinVar variation 583827 (VCV000583827.7).

ClinVar aggregate classification (germline): Pathogenic (1 of 4 stars; one submission).

Conditions:
Multiple congenital exostosis (EXT). Also called: Multiple exostoses; Hereditary multiple osteochondromas; Hereditary multiple exostoses; Hereditary multiple exostosis; MULTIPLE CARTILAGINOUS EXOSTOSES; Multiple osteochondromas. Identifiers: Orphanet 321, MedGen C0015306, MONDO:0005508, HP:0002762.

Submission:

Labcorp Genetics (formerly Invitae), Labcorp
Classification: Pathogenic for Multiple congenital exostosis. Last evaluated: 2022-02-08. Review status: criteria provided, single submitter. Criteria: Invitae Variant Classification Sherloc (09022015). Collection method: clinical testing. Allele origin: germline.
Comment: For these reasons, this variant has been classified as Pathogenic. A similar copy number variant has been observed in individual(s) with multiple exostoses (Invitae). This variant is a gross deletion of the genomic region encompassing exon(s) 2-4 of the EXT1 gene. This deletion is out-of-frame, and is expected to create a premature termination codon and result in an absent or disrupted protein product. Loss-of-function variants in EXT1 are known to be pathogenic (PMID: 10679937, 11391482, 19810120).

Literature cited by the submitters: PubMed 10679937; PubMed 11391482; PubMed 19810120.